The following is an entry in ClinVar:

NM_001134831.2(AHI1):c.3245del (p.Phe1082fs)

Gene: AHI1 (Abelson helper integration site 1; minus strand). Cytogenetic location: 6q23.3.
Variant type: Deletion.
Coding change: c.3245del on transcript NM_001134831.2 (MANE Select); coding-DNA position 3245, one base deleted (T; older notation c.3245delT).
Protein change: p.Phe1082fs; shifts the reading frame from phenylalanine 1082.
Molecular consequence: frameshift variant.
Genome position (GRCh38, 1-based): chr6:135,323,245, A deleted on the plus strand (T on the coding strand, the reverse complement: AHI1 is on the minus strand); the first of 5 consecutive A bases (chr6:135,323,245-135,323,249); deleting any one gives the same sequence. VCF-style (leftmost placement, unchanged base first): chr6-135323244-GA-G. GRCh37 (hg19) VCF-style: chr6-135644382-GA-G.
Other names: c.3245del, p.Phe1082fs (NM_001134830.2, NM_001350503.2, NM_001350504.2 and 1 more transcripts); c.3245del (NM_017651.4); short protein forms F1082fs.
Identifiers: ClinVar variation 2720455 (VCV002720455.4), dbSNP rs1787147374, ClinGen allele CA1665858656.

ClinVar aggregate classification (germline): Pathogenic/Likely pathogenic. Review status: criteria provided, multiple submitters, no conflicts (2 of 4 stars). 2 submissions from 2 submitters: Pathogenic (1); Likely pathogenic (1). Last evaluated 2025-12-30.

Conditions:
Joubert syndrome. Also called: CEREBELLOPARENCHYMAL DISORDER IV; JOUBERT-BOLTSHAUSER SYNDROME; Familial aplasia of the vermis. Identifiers: Orphanet 475, MedGen C5979921, MONDO:0018772.
Joubert syndrome 3 (JBTS3). Also called: AHI1-related Ciliopathy. Identifiers: Orphanet 220493, MedGen C1837713, MONDO:0012078, OMIM 608629.

Submissions (2):

Labcorp Genetics (formerly Invitae), Labcorp
Classification: Pathogenic for Joubert syndrome. Last evaluated: 2025-12-30. Review status: criteria provided, single submitter. Criteria: Invitae Variant Classification Sherloc (09022015). Collection method: clinical testing. Allele origin: germline.
Comment: This sequence change creates a premature translational stop signal (p.Phe1082Serfs*12) in the AHI1 gene. It is expected to result in an absent or disrupted protein product. Loss-of-function variants in AHI1 are known to be pathogenic (PMID: 15322546, 16453322, 28442542, 29186038). This variant is not present in population databases (gnomAD no frequency). This variant has not been reported in the literature in individuals affected with AHI1-related conditions. ClinVar contains an entry for this variant (Variation ID: 2720455). For these reasons, this variant has been classified as Pathogenic.

Fulgent Genetics
Classification: Likely pathogenic for Joubert syndrome 3. Last evaluated: 2024-03-20. Review status: criteria provided, single submitter. Criteria: ACMG Guidelines, 2015. Collection method: clinical testing. Allele origin: germline.

Literature cited by the submitters: PubMed 15322546 (cited by Labcorp Genetics (formerly Invitae), Labcorp); PubMed 16453322 (cited by Labcorp Genetics (formerly Invitae), Labcorp); PubMed 28442542 (cited by Labcorp Genetics (formerly Invitae), Labcorp); PubMed 29186038 (cited by Labcorp Genetics (formerly Invitae), Labcorp).